The following is an entry in ClinVar:

NM_001111.5(ADAR):c.3055G>A (p.Val1019Met)

Gene: ADAR (adenosine deaminase RNA specific; minus strand). Cytogenetic location: 1q21.3.
Variant type: single nucleotide variant.
Coding change: c.3055G>A on transcript NM_001111.5 (MANE Select); coding-DNA position 3055, G replaced by A.
Protein change: p.Val1019Met; replaces valine 1019 with methionine.
Molecular consequence: missense variant.
Genome position (GRCh38, 1-based): chr1:154,586,328, C>T on the plus strand (G>A on the coding strand, the complement: ADAR is on the minus strand). VCF-style: chr1-154586328-C-T. GRCh37 (hg19) VCF-style: chr1-154558804-C-T.
Other names: c.2170G>A, p.Val724Met (NM_001025107.3, NM_001193495.2, NM_001365046.1 and 2 more transcripts); c.3082G>A, p.Val1028Met (NM_001365045.1); c.2092G>A, p.Val698Met (NM_001365049.1); c.2977G>A, p.Val993Met (NM_015840.4); c.2920G>A, p.Val974Met (NM_015841.4); short protein forms V1019M, V1028M, V698M, V724M, V974M, V993M.
Identifiers: ClinVar variation 1058307 (VCV001058307.7), dbSNP rs1696760657, ClinGen allele CA342635826.
Genomic context (GRCh38, chr1:154,586,328, plus strand): 5'-TGTCACTACAGGACATGGTACGGAGTCTCTCCCCGAGCCGAATGCCATCCCACGTAGGCA[C>T]AATGTCACTGGATTCCACAGGGATTGTGCCTTCTCCTGTGTGAGAGACTTGGGTCAGACC-3'
Protein context (NP_001102.3, residues 1009-1029): GTIPVESSDI[Val1019Met]PTWDGIRLGE

ClinVar aggregate classification (germline): Uncertain significance (1 of 4 stars; one submission).

Conditions:
Symmetrical dyschromatosis of extremities (DSH). Also called: Dyschromatosis symmetrica hereditaria; RETICULATE ACROPIGMENTATION OF DOHI; DYSCHROMATOSIS SYMMETRICA HEREDITARIA 1; SYMMETRIC DYSCHROMATOSIS OF THE EXTREMITIES. Identifiers: Orphanet 41, MedGen C0406775, MONDO:0007483, OMIM 127400.
Aicardi-Goutieres syndrome 6 (AGS6). Identifiers: Orphanet 51, MedGen C3539013, MONDO:0014007, OMIM 615010.

Allele frequency attached by ClinVar (database versions not stated): gnomAD exomes below 0.00001; TOPMed 0.00001.
gnomAD v4.1: 2 of 1,614,188 alleles (0.00012%); highest among the groups gnomAD compares: Admixed American, 0.0017%; no homozygotes.

Submission:

Labcorp Genetics (formerly Invitae), Labcorp
Classification: Uncertain significance for Aicardi-Goutieres syndrome 6; Symmetrical dyschromatosis of extremities. Last evaluated: 2025-10-23. Review status: criteria provided, single submitter. Criteria: Invitae Variant Classification Sherloc (09022015). Collection method: clinical testing. Allele origin: germline.
Comment: This sequence change replaces valine, which is neutral and non-polar, with methionine, which is neutral and non-polar, at codon 1019 of the ADAR protein (p.Val1019Met). This variant is not present in population databases (gnomAD no frequency). This variant has not been reported in the literature in individuals affected with ADAR-related conditions. ClinVar contains an entry for this variant (Variation ID: 1058307). Invitae Evidence Modeling of protein sequence and biophysical properties (such as structural, functional, and spatial information, amino acid conservation, physicochemical variation, residue mobility, and thermodynamic stability) has been performed for this missense variant. However, the output from this modeling did not meet the statistical confidence thresholds required to predict the impact of this variant on ADAR protein function. In summary, the available evidence is currently insufficient to determine the role of this variant in disease. Therefore, it has been classified as a Variant of Uncertain Significance.